The following is an entry in ClinVar:

NM_001370100.5(ZMYND11):c.872_873insA (p.Phe291fs)

Gene: ZMYND11 (zinc finger MYND-type containing 11; plus strand). Cytogenetic location: 10p15.3.
Variant type: Insertion.
Coding change: c.872_873insA on transcript NM_001370100.5 (MANE Select); coding-DNA positions 872 to 873, A inserted.
Protein change: p.Phe291fs; shifts the reading frame from phenylalanine 291.
Molecular consequence: frameshift variant. On other transcripts: non-coding transcript variant (1).
Genome position: GRCh38 VCF-style: chr10-242061-T-TA. GRCh37 (hg19) VCF-style: chr10-288001-T-TA.
Other names: c.872_873insA (NM_006624.5); c.872_873insA, p.Phe291Leufs (NM_001161482.1); c.710_711insA, p.Phe237fs (NM_001202464.3, NM_001202467.1, NM_001370103.2 and 6 more transcripts); c.617_618insA, p.Phe206fs (NM_001202465.3, NM_001370110.2); c.707_708insA, p.Phe236fs (NM_001202466.3, NM_001370111.2); c.872_873insA, p.Phe291fs (NM_001202468.1, NM_001370097.3, NM_001370098.2 and 5 more transcripts); c.821_822insA, p.Phe274fs (NM_001330057.3, NM_001370112.2); c.779_780insA, p.Phe260fs (NM_001370113.2, NM_001370114.2); and 9 more; short protein forms F236fs, F291fs, F265fs, F134fs, F189fs, F197fs, F206fs, F237fs.
Identifiers: ClinVar variation 2862741 (VCV002862741.4), dbSNP rs2539906042, ClinGen allele CA2739265267.

ClinVar aggregate classification (germline): Pathogenic (1 of 4 stars; one submission).

Conditions:
Intellectual developmental disorder, autosomal dominant 30, with speech delay and behavioral abnormalities. Also called: Intellectual disability, autosomal dominant 30. Identifiers: Orphanet 436151, MedGen C4015167, MONDO:0014486, OMIM 616083.

Submission:

Labcorp Genetics (formerly Invitae), Labcorp
Classification: Pathogenic. Last evaluated: 2023-05-09. Review status: criteria provided, single submitter. Criteria: Invitae Variant Classification Sherloc (09022015). Collection method: clinical testing. Allele origin: germline.
Comment: This variant is not present in population databases (gnomAD no frequency). For these reasons, this variant has been classified as Pathogenic. This variant has not been reported in the literature in individuals affected with ZMYND11-related conditions. This sequence change creates a premature translational stop signal (p.Phe291Leufs*33) in the ZMYND11 gene. It is expected to result in an absent or disrupted protein product. Loss-of-function variants in ZMYND11 are known to be pathogenic (PMID: 25217958).

Literature cited by the submitters: PubMed 25217958 (cited by Labcorp Genetics (formerly Invitae), Labcorp).